The following is an entry in ClinVar:

ClinVar aggregate classification (germline): Uncertain significance. Review status: criteria provided, multiple submitters, no conflicts (2 of 4 stars). 4 submissions from 4 submitters: Uncertain significance (4). Last evaluated 2025-08-21.

Conditions:
Cardiovascular phenotype. Identifiers: MedGen CN230736.
Cardiomyopathy (CMYO). Also called: Cardiomyopathies. Identifiers: Orphanet 167848, MedGen C0878544, MONDO:0004994, HP:0001638. Inheritance: Various modes of inheritance.
Arrhythmogenic right ventricular cardiomyopathy (ARVD). Also called: Arrhythmogenic cardiomyopathy; Cardiomyopathy, ARVC; Arrhythmogenic right ventricular dysplasia; Arrhythmogenic Right Ventricular Cardiomyopathy (ARVC). Identifiers: Orphanet 247, MedGen C0349788, MeSH D019571, MONDO:0016587. Disease mechanism: loss of function. Inheritance: Various modes of inheritance.
Arrhythmogenic right ventricular dysplasia 10. Also called: Arrhythmogenic Right Ventricular Dysplasia/Cardiomyopathy10; ARRHYTHMOGENIC RIGHT VENTRICULAR DYSPLASIA, FAMILIAL, 10; Arrhythmogenic right ventricular dysplasia/cardiomyopathy, type 10. Identifiers: MedGen C1857777, MONDO:0012434, OMIM 610193.

Allele frequency attached by ClinVar (database versions not stated): TOPMed below 0.00001; ExAC 0.00001; gnomAD 0.00001; gnomAD exomes 0.00001.
gnomAD v4.1: 8 of 1,613,918 alleles (0.0005%); no homozygotes.

Submissions (4):

Ambry Genetics
Classification: Uncertain significance for Cardiovascular phenotype. Last evaluated: 2025-08-21. Review status: criteria provided, single submitter. Criteria: Ambry Variant Classification Scheme 2023. Collection method: clinical testing. Allele origin: germline.
Comment: The p.D666H variant (also known as c.1996G>C), located in coding exon 13 of the DSG2 gene, results from a G to C substitution at nucleotide position 1996. The aspartic acid at codon 666 is replaced by histidine, an amino acid with similar properties. This amino acid position is well conserved in available vertebrate species. In addition, this alteration is predicted to be deleterious by in silico analysis. Based on the available evidence, the clinical significance of this variant remains unclear.

Labcorp Genetics (formerly Invitae), Labcorp
Classification: Uncertain significance for Arrhythmogenic right ventricular dysplasia 10. Last evaluated: 2025-06-10. Review status: criteria provided, single submitter. Criteria: Invitae Variant Classification Sherloc (09022015). Collection method: clinical testing. Allele origin: germline.
Comment: This sequence change replaces aspartic acid, which is acidic and polar, with histidine, which is basic and polar, at codon 666 of the DSG2 protein (p.Asp666His). This variant is present in population databases (rs771623047, gnomAD 0.02%). This variant has not been reported in the literature in individuals affected with DSG2-related conditions. ClinVar contains an entry for this variant (Variation ID: 920691). Invitae Evidence Modeling of protein sequence and biophysical properties (such as structural, functional, and spatial information, amino acid conservation, physicochemical variation, residue mobility, and thermodynamic stability) has been performed for this missense variant. However, the output from this modeling did not meet the statistical confidence thresholds required to predict the impact of this variant on DSG2 protein function. In summary, the available evidence is currently insufficient to determine the role of this variant in disease. Therefore, it has been classified as a Variant of Uncertain Significance.

All of Us Research Program, National Institutes of Health
Classification: Uncertain significance for Arrhythmogenic right ventricular cardiomyopathy. Last evaluated: 2024-05-30. Review status: criteria provided, single submitter. Criteria: ACMG Guidelines, 2015. Collection method: clinical testing. Allele origin: germline. Inheritance: Autosomal dominant inheritance. Observed: 7 variant alleles, 7 heterozygotes.
Comment: This missense variant replaces aspartic acid with histidine at codon 666 of the DSG2 protein. Computational prediction suggests that this variant may not impact protein structure and function (internally defined REVEL score threshold <= 0.5, PMID: 27666373). To our knowledge, functional studies have not been reported for this variant. This variant has not been reported in individuals affected with cardiovascular disorders in the literature. This variant has been identified in 2/249248 chromosomes in the general population by the Genome Aggregation Database (gnomAD). The available evidence is insufficient to determine the role of this variant in disease conclusively. Therefore, this variant is classified as a Variant of Uncertain Significance.

This study involves interpretation of variants in research participants for the purpose of population health screening. Participant phenotype was not available at the time of variant classification. Additional details can be found in publication PMID: 35346344, PMCID: PMC8962531

Color Diagnostics, LLC DBA Color Health
Classification: Uncertain significance for Cardiomyopathy. Last evaluated: 2024-03-06. Review status: criteria provided, single submitter. Criteria: ACMG Guidelines, 2015. Collection method: clinical testing. Allele origin: germline.
Comment: This missense variant replaces aspartic acid with histidine at codon 666 of the DSG2 protein. Computational prediction suggests that this variant may not impact protein structure and function (internally defined REVEL score threshold <= 0.5, PMID: 27666373). To our knowledge, functional studies have not been reported for this variant. This variant has not been reported in individuals affected with DSG2-related disorders in the literature. This variant has been identified in 2/249248 chromosomes in the general population by the Genome Aggregation Database (gnomAD). The available evidence is insufficient to determine the role of this variant in disease conclusively. Therefore, this variant is classified as a Variant of Uncertain Significance.

NM_001943.5(DSG2):c.1996G>C (p.Asp666His)

Gene: DSG2 (desmoglein 2; plus strand). Cytogenetic location: 18q12.1.
Variant type: single nucleotide variant.
Coding change: c.1996G>C on transcript NM_001943.5 (MANE Select); coding-DNA position 1996, G replaced by C.
Protein change: p.Asp666His; replaces aspartic acid 666 with histidine.
Molecular consequence: missense variant.
Genome position (GRCh38, 1-based): chr18:31,541,309, G>C. VCF-style: chr18-31541309-G-C. GRCh37 (hg19) VCF-style: chr18-29121272-G-C.
Other names: c.1996G>C (NM_001943.3); short protein forms D666H.
Identifiers: ClinVar variation 920691 (VCV000920691.13), dbSNP rs771623047, ClinGen allele CA044479.